The following is an entry in ClinVar:

ClinVar aggregate classification (germline): Conflicting classifications of pathogenicity. Review status: criteria provided, conflicting classifications (1 of 4 stars). 6 submissions from 6 submitters: Uncertain significance (4); Likely benign (1). 1 of the submissions does not count toward it. Last evaluated 2025-08-21.

Conditions:
VCL-related disorder. Also called: VCL-related condition.
Cardiovascular phenotype. Identifiers: MedGen CN230736.
Dilated cardiomyopathy 1W (CMD1W). Identifiers: Orphanet 154, MedGen C1969639, MONDO:0012667, OMIM 611407.

Allele frequency attached by ClinVar (database versions not stated): TOPMed 0.00006; ESP Exome Variant Server 0.00008; ExAC 0.00002; gnomAD exomes 0.00002; gnomAD 0.00004.
gnomAD v4.1: 116 of 1,613,972 alleles (0.0072%); highest among the groups gnomAD compares: Non-Finnish European, 0.0094%; no homozygotes.

Submissions (6):

PreventionGenetics, part of Exact Sciences
Classification: Uncertain significance for VCL-related condition. Last evaluated: 2025-08-21. Review status: criteria provided, single submitter. Criteria: ACMG Guidelines, 2015. Collection method: clinical testing. Allele origin: germline.
Comment: The VCL c.3373C>T variant is predicted to result in the amino acid substitution p.Arg1125Cys. This variant has been reported as a variant of uncertain significance in at least one individual with dilated cardiomyopathy (Zimmerman et al. 2010. PubMed ID: 20474083; Table S3, Pugh et al. 2014. PubMed ID: 24503780; Table S1B, Walsh et al. 2017. PubMed ID: 27532257); however, this variant has also been documented in the general population (Andreasen et al. 2013. PubMed ID: 23299917). This variant is reported in 0.012% of alleles in individuals of African descent in gnomAD. At this time, the clinical significance of this variant is uncertain due to the absence of conclusive functional and genetic evidence.

Labcorp Genetics (formerly Invitae), Labcorp
Classification: Uncertain significance for Dilated cardiomyopathy 1W. Last evaluated: 2025-08-06. Review status: criteria provided, single submitter. Criteria: Invitae Variant Classification Sherloc (09022015). Collection method: clinical testing. Allele origin: germline.
Comment: This sequence change replaces arginine, which is basic and polar, with cysteine, which is neutral and slightly polar, at codon 1125 of the VCL protein (p.Arg1125Cys). This variant is present in population databases (rs373317423, gnomAD 0.01%). This missense change has been observed in individual(s) with dilated cardiomyopathy (PMID: 20474083, 24503780). ClinVar contains an entry for this variant (Variation ID: 45611). An algorithm developed to predict the effect of missense changes on protein structure and function (PolyPhen-2) suggests that this variant is likely to be disruptive. In summary, the available evidence is currently insufficient to determine the role of this variant in disease. Therefore, it has been classified as a Variant of Uncertain Significance.

Women's Health and Genetics/Laboratory Corporation of America, LabCorp
Classification: Uncertain significance. Last evaluated: 2024-12-13. Review status: criteria provided, single submitter. Criteria: LabCorp Variant Classification Summary - May 2015. Collection method: clinical testing. Allele origin: germline.
Comment: Variant summary: VCL c.3373C>T (p.Arg1125Cys) results in a non-conservative amino acid change in the encoded protein sequence. Three of five in-silico tools predict a damaging effect of the variant on protein function. The variant allele was found at a frequency of 2.4e-05 in 251252 control chromosomes (gnomAD). The available data on variant occurrences in the general population are insufficient to allow any conclusion about variant significance. c.3373C>T has been reported in the literature in individuals affected with dilated cardiomyopathy (Zimmerman_2010, Pugh_2014, Walsh_2017). These reports do not provide unequivocal conclusions about association of the variant with Cardiomyopathy. To our knowledge, no experimental evidence demonstrating an impact on protein function has been reported. The following publications have been ascertained in the context of this evaluation (PMID: 23299917, 24503780, 27532257, 20474083). ClinVar contains an entry for this variant (Variation ID: 45611). Based on the evidence outlined above, the variant was classified as uncertain significance.

Ambry Genetics
Classification: Uncertain significance for Cardiovascular phenotype. Last evaluated: 2024-04-15. Review status: criteria provided, single submitter. Criteria: Ambry Variant Classification Scheme 2023. Collection method: clinical testing. Allele origin: germline.

Blueprint Genetics
Classification: Likely benign. Last evaluated: 2022-05-04. Review status: criteria provided, single submitter. Criteria: ACMG Guidelines, 2015. Collection method: clinical testing. Allele origin: germline.

Laboratory for Molecular Medicine, Mass General Brigham Personalized Medicine
Classification: Uncertain significance. Last evaluated: 2009-05-22. Review status: no assertion criteria provided. Collection method: clinical testing. Allele origin: germline. Observed: 1 variant allele. Not counted in ClinVar's aggregate classification.

Literature cited by the submitters: PubMed 20474083 (cited by Labcorp Genetics (formerly Invitae), Labcorp and Women's Health and Genetics/Laboratory Corporation of America, LabCorp); PubMed 24503780 (cited by Labcorp Genetics (formerly Invitae), Labcorp and Women's Health and Genetics/Laboratory Corporation of America, LabCorp); PubMed 23299917 (cited by Women's Health and Genetics/Laboratory Corporation of America, LabCorp); PubMed 27532257 (cited by Women's Health and Genetics/Laboratory Corporation of America, LabCorp).

NM_014000.3(VCL):c.3373C>T (p.Arg1125Cys)

Gene: VCL (vinculin; plus strand). Cytogenetic location: 10q22.2.
Variant type: single nucleotide variant.
Coding change: c.3373C>T on transcript NM_014000.3 (MANE Select); coding-DNA position 3373, C replaced by T.
Protein change: p.Arg1125Cys; replaces arginine 1125 with cysteine.
Molecular consequence: missense variant.
Genome position (GRCh38, 1-based): chr10:74,118,137, C>T. VCF-style: chr10-74118137-C-T. GRCh37 (hg19) VCF-style: chr10-75877895-C-T.
Other names: c.3169C>T, p.Arg1057Cys (NM_003373.4); short protein forms R1125C, R1057C.
Identifiers: ClinVar variation 45611 (VCV000045611.19), dbSNP rs373317423, ClinGen allele CA136783.